The following is an entry in ClinVar:

NM_004369.4(COL6A3):c.8868TGC[5] (p.Ala2960dup)

Gene: COL6A3 (collagen type VI alpha 3 chain; minus strand). Cytogenetic location: 2q37.3.
Variant type: Microsatellite.
Coding change: c.8868TGC[5] on transcript NM_004369.4 (MANE Select); five copies in a row of the 3-base unit TGC starting at c.8868; the reference has four copies in a row; one copy, 3 bases duplicated; also written c.8877_8879dup.
Protein change: p.Ala2960dup; duplicates alanine 2960.
Molecular consequence: inframe insertion.
Genome position (GRCh38, 1-based): chr2:237,336,221-237,336,223, GCA duplicated on the plus strand (TGC on the coding strand, the reverse complement: COL6A3 is on the minus strand); duplicating any 3 consecutive bases within chr2:237,336,221-237,336,234 gives the same sequence; the position shown is the placement nearest the transcript's 3' end. VCF-style (leftmost placement, unchanged base first): chr2-237336220-T-TGCA. GRCh37 (hg19) VCF-style: chr2-238244863-T-TGCA.
Other names: c.7047TGC[5], p.Ala2353dup (NM_057166.5); c.8250TGC[5], p.Ala2754dup (NM_057167.4); c.8877_8879dup (NM_004369.4, NM_004369.3).
Identifiers: ClinVar variation 285411 (VCV000285411.19), dbSNP rs35879189, ClinGen allele CA2187421.
Genomic context (GRCh38, chr2:237,336,220, plus strand): 5'-GGTGGCAGCTGGTTTGGCTGCCTGTGGCCTAGGGACCTCAGGCTTGGTCGCCACTGGTTT[T>TGCA]GCAGCAGCAGCAGCGGGGGGTCTTACAGCTGCTGGCTTTGCTGCTACAGGCTTCGCTGCC-3'

ClinVar aggregate classification (germline): Uncertain significance. Review status: criteria provided, multiple submitters, no conflicts (2 of 4 stars). 4 submissions from 4 submitters: Uncertain significance (4). Last evaluated 2024-12-03.

Conditions:
Bethlem myopathy 1A. Also called: Bethlem Muscular Dystrophy; MYOPATHY, BENIGN CONGENITAL, WITH CONTRACTURES; Bethlem myopathy 1. Identifiers: Orphanet 610, MedGen CN029274, MONDO:0024530, OMIM 158810.

Submissions (4):

Revvity Omics, Revvity
Classification: Uncertain significance. Last evaluated: 2024-12-03. Review status: criteria provided, single submitter. Criteria: ACMG Guidelines, 2015. Collection method: clinical testing. Allele origin: germline.

Labcorp Genetics (formerly Invitae), Labcorp
Classification: Uncertain significance for Bethlem myopathy 1A. Last evaluated: 2024-09-04. Review status: criteria provided, single submitter. Criteria: Invitae Variant Classification Sherloc (09022015). Collection method: clinical testing. Allele origin: germline.
Comment: This variant, c.8877_8879dup, results in the insertion of 1 amino acid(s) of the COL6A3 protein (p.Ala2960dup), but otherwise preserves the integrity of the reading frame. This variant is present in population databases (rs754064807, gnomAD 0.05%). This variant has been observed in individual(s) with clinical features of limb-girdle muscular dystrophy (PMID: 30564623). ClinVar contains an entry for this variant (Variation ID: 285411). Experimental studies and prediction algorithms are not available or were not evaluated, and the functional significance of this variant is currently unknown. In summary, the available evidence is currently insufficient to determine the role of this variant in disease. Therefore, it has been classified as a Variant of Uncertain Significance.

GeneDx
Classification: Uncertain significance. Last evaluated: 2022-09-02. Review status: criteria provided, single submitter. Criteria: GeneDx Variant Classification Process June 2021. Collection method: clinical testing. Allele origin: germline. Affected: yes.
Comment: In-frame insertion of 1 amino acids in a non-repeat region; In silico analysis supports that this variant does not alter protein structure/function; Previously reported as a variant of uncertain significance in an individual with suspected LGMD (Nallamilli et al, 2018); This variant is associated with the following publications: (PMID: 30564623)

Eurofins Ntd Llc (ga)
Classification: Uncertain significance. Last evaluated: 2016-01-05. Review status: criteria provided, single submitter. Criteria: EGL Classification Definitions. Collection method: clinical testing. Allele origin: germline. Observed: 1 variant allele, 1 heterozygote.

Literature cited by the submitters: PubMed 30564623 (cited by Labcorp Genetics (formerly Invitae), Labcorp).